The following is an entry in ClinVar:

ClinVar aggregate classification (germline): Uncertain significance (1 of 4 stars; one submission).

Submission:

Labcorp Genetics (formerly Invitae), Labcorp
Classification: Uncertain significance. Last evaluated: 2025-08-15. Review status: criteria provided, single submitter. Criteria: Invitae Variant Classification Sherloc (09022015). Collection method: clinical testing. Allele origin: germline.
Comment: This variant, c.4401_4403del, results in the deletion of 1 amino acid(s) of the SCN3A protein (p.Ile1468del), but otherwise preserves the integrity of the reading frame. This variant is not present in population databases (gnomAD no frequency). This variant has not been reported in the literature in individuals affected with SCN3A-related conditions. Experimental studies and prediction algorithms are not available or were not evaluated, and the functional significance of this variant is currently unknown. In summary, the available evidence is currently insufficient to determine the role of this variant in disease. Therefore, it has been classified as a Variant of Uncertain Significance.

NM_006922.4(SCN3A):c.4398CAT[1] (p.Ile1468del)

Gene: SCN3A (sodium voltage-gated channel alpha subunit 3; minus strand). Cytogenetic location: 2q24.3.
Variant type: Microsatellite.
Coding change: c.4398CAT[1] on transcript NM_006922.4 (MANE Select); one copy of the 3-base unit CAT starting at c.4398; the reference has two copies in a row; one copy, 3 bases deleted.
Protein change: p.Ile1468del; deletes isoleucine 1468.
Molecular consequence: inframe deletion.
Genome position (GRCh38, 1-based): chr2:165,095,539-165,095,541, ATG deleted on the plus strand (CAT on the coding strand, the reverse complement: SCN3A is on the minus strand); deleting any 3 consecutive bases within chr2:165,095,539-165,095,545 gives the same sequence; the position shown is the placement nearest the transcript's 3' end. VCF-style (leftmost placement, unchanged base first): chr2-165095538-TATG-T. GRCh37 (hg19) VCF-style: chr2-165952048-TATG-T.
Other names: c.4251CAT[1], p.Ile1419del (NM_001081676.2, NM_001081677.2); short protein forms I1468del, I1419del.
Identifiers: ClinVar variation 2128509 (VCV002128509.4), dbSNP rs2468059795, ClinGen allele CA2580614376.
Genomic context (GRCh38, chr2:165,095,538, plus strand): 5'-AATGAAGAAAGGTAAAAGCTAAAGAATACTTATCTTCTTTTTCTGCTGGTTGAAGTTATC[TATG>T]ATGACACCAATGAATAGATTCAGAGTGAAGAATGACCCAAAGATGATAAAGATGACAAAG-3'